The following is an entry in ClinVar:

ClinVar aggregate classification (germline): Benign (0 of 4 stars; one submission).

Conditions:
PPP2R3A-related disorder. Also called: PPP2R3A-related condition.

Allele frequency attached by ClinVar (database versions not stated): ESP Exome Variant Server 0.00115; gnomAD exomes 0.00769; gnomAD 0.00840; TOPMed 0.01145; ExAC 0.02040; 1000 Genomes Project 30x 0.02467; 1000 Genomes Project 0.02576.
gnomAD v4.1: 12,423 of 1,613,156 alleles (0.77%); highest among the groups gnomAD compares: East Asian, 13%; 672 homozygotes.

Submission:

PreventionGenetics, part of Exact Sciences
Classification: Benign for PPP2R3A-related condition. Last evaluated: 2019-02-20. Review status: no assertion criteria provided. Collection method: clinical testing. Allele origin: germline.
Comment: This variant is classified as benign based on ACMG/AMP sequence variant interpretation guidelines (Richards et al. 2015 PMID: 25741868, with internal and published modifications).

NM_002718.5(PPP2R3A):c.2233G>A (p.Asp745Asn)

Gene: PPP2R3A (protein phosphatase 2 regulatory subunit B''alpha; plus strand). Cytogenetic location: 3q22.3.
Variant type: single nucleotide variant.
Coding change: c.2233G>A on transcript NM_002718.5 (MANE Select); coding-DNA position 2233, G replaced by A.
Protein change: p.Asp745Asn; replaces aspartic acid 745 with asparagine.
Molecular consequence: missense variant.
Genome position (GRCh38, 1-based): chr3:136,027,069, G>A. VCF-style: chr3-136027069-G-A. GRCh37 (hg19) VCF-style: chr3-135745911-G-A.
Other names: c.25G>A, p.Asp9Asn (NM_001190447.2); c.370G>A, p.Asp124Asn (NM_181897.3); short protein forms D124N, D745N, D9N.
Identifiers: ClinVar variation 3055418 (VCV003055418.2), dbSNP rs16843645, ClinGen allele CA2630778.